The following is an entry in ClinVar:

NM_007078.3(LDB3):c.1157dup (p.Ala389fs)

Gene: LDB3 (LIM domain binding 3; plus strand). Cytogenetic location: 10q23.2.
Variant type: Duplication.
Coding change: c.1157dup on transcript NM_007078.3 (MANE Select); coding-DNA position 1157, one base duplicated (A; older notation c.1157dupA).
Protein change: p.Ala389fs; shifts the reading frame from alanine 389.
Molecular consequence: frameshift variant.
Genome position (GRCh38, 1-based): chr10:86,709,976, A duplicated. VCF-style (leftmost placement, unchanged base first): chr10-86709975-G-GA. GRCh37 (hg19) VCF-style: chr10-88469732-G-GA.
Other names: c.827dup, p.Ala279fs (NM_001080114.2); c.1172dup, p.Ala394fs (NM_001171610.2); c.968dup, p.Ala326fs (NM_001368064.1, NM_001368065.1); c.1016dup, p.Ala342fs (NM_001368066.1); short protein forms A279fs, A326fs, A342fs, A389fs, A394fs.
Identifiers: ClinVar variation 1302527 (VCV001302527.2), dbSNP rs2132466099, ClinGen allele CA2573053321.

ClinVar aggregate classification (germline): Uncertain significance (1 of 4 stars; one submission).

Submission:

GeneDx
Classification: Uncertain significance. Last evaluated: 2019-05-28. Review status: criteria provided, single submitter. Criteria: GeneDx Variant Classification Process June 2021. Collection method: clinical testing. Allele origin: germline. Affected: yes.
Comment: Has not been previously published as pathogenic or benign to our knowledge; Not observed in large population cohorts (Lek et al., 2016); Frameshift variant predicted to result in protein truncation or nonsense mediated decay in a gene for which loss-of-function is not a known mechanism of disease